The following is an entry in ClinVar:

ClinVar aggregate classification (germline): Conflicting classifications of pathogenicity. Review status: criteria provided, conflicting classifications (1 of 4 stars). 6 submissions from 6 submitters: Uncertain significance (4); Likely benign (2). Last evaluated 2026-01-23.

Conditions:
Mismatch repair cancer syndrome 4. Identifiers: MedGen C5436817, MONDO:0030843, OMIM 619101.
Lynch syndrome 4 (LYNCH4). Also called: Colorectal cancer, hereditary nonpolyposis, type 4; Hereditary non-polyposis colorectal cancer, type 4. Identifiers: Orphanet 144, MedGen C1838333, MONDO:0013699, OMIM 614337. Disease mechanism: loss of function.
Hereditary nonpolyposis colorectal neoplasms. Identifiers: MedGen C0009405, MeSH D003123.
Hereditary cancer-predisposing syndrome. Also called: Neoplastic Syndromes, Hereditary; Hereditary Cancer Syndrome; Tumor predisposition; Hereditary neoplastic syndrome. Identifiers: Orphanet 140162, MedGen C0027672, MeSH D009386, MONDO:0015356.
Lynch syndrome. Identifiers: Orphanet 144, MedGen C4552100, MONDO:0005835. Disease mechanism: loss of function.

Allele frequency attached by ClinVar (database versions not stated): gnomAD exomes 0.00001 and 0.00002; gnomAD 0.00002; ExAC 0.00001; TOPMed 0.00002.
gnomAD v4.1: 32 of 1,614,046 alleles (0.002%); highest among the groups gnomAD compares: East Asian, 0.0089%; no homozygotes.

Submissions (6):

Labcorp Genetics (formerly Invitae), Labcorp
Classification: Likely benign for Hereditary nonpolyposis colorectal neoplasms. Last evaluated: 2026-01-23. Review status: criteria provided, single submitter. Criteria: Invitae Variant Classification Sherloc (09022015). Collection method: clinical testing. Allele origin: germline.

Color Diagnostics, LLC DBA Color Health
Classification: Uncertain significance for Hereditary cancer-predisposing syndrome. Last evaluated: 2024-07-26. Review status: criteria provided, single submitter. Criteria: ACMG Guidelines, 2015. Collection method: clinical testing. Allele origin: germline.
Comment: This missense variant replaces methionine with valine at codon 453 of the PMS2 protein. Computational prediction tool suggests that this variant may not impact protein structure and function (internally defined REVEL score threshold <= 0.5, PMID: 27666373). Splice site prediction tools suggest that this variant may not impact RNA splicing. To our knowledge, functional studies have not been performed for this variant. This variant has been reported in an individual affected with leukemia (PMID: 26689913) and an unspecified cancer (PMID: 31386297). This variant has been identified in 2/251490 chromosomes in the general population by the Genome Aggregation Database (gnomAD). The available evidence is insufficient to determine the role of this variant in disease conclusively. Therefore, this variant is classified as a Variant of Uncertain Significance.

GeneDx
Classification: Uncertain significance. Last evaluated: 2024-03-18. Review status: criteria provided, single submitter. Criteria: GeneDx Variant Classification Process June 2021. Collection method: clinical testing. Allele origin: germline.
Comment: Not observed at significant frequency in large population cohorts (gnomAD); In silico analysis supports that this missense variant does not alter protein structure/function; Observed in an individual with a personal history of cancer (PMID: 31386297); This variant is associated with the following publications: (PMID: 31386297)

All of Us Research Program, National Institutes of Health
Classification: Uncertain significance for Lynch syndrome. Last evaluated: 2023-06-28. Review status: criteria provided, single submitter. Criteria: ACMG Guidelines, 2015. Collection method: clinical testing. Allele origin: germline. Inheritance: Autosomal dominant inheritance. Observed: 2 variant alleles, 2 heterozygotes.
Comment: This missense variant replaces methionine with valine at codon 453 of the PMS2 protein. Computational prediction tool suggests that this variant may not impact protein structure and function (internally defined REVEL score threshold <= 0.5, PMID: 27666373). Splice site prediction tools suggest that this variant may not impact RNA splicing. To our knowledge, functional studies have not been performed for this variant. This variant has been reported in an individual affected with leukemia (PMID: 26689913). This variant has been identified in 2/251490 chromosomes in the general population by the Genome Aggregation Database (gnomAD). The available evidence is insufficient to determine the role of this variant in disease conclusively. Therefore, this variant is classified as a Variant of Uncertain Significance.

This study involves interpretation of variants in research participants for the purpose of population health screening. Participant phenotype was not available at the time of variant classification. Additional details can be found in publication PMID: 35346344, PMCID: PMC8962531

Sema4
Classification: Uncertain significance for Hereditary cancer-predisposing syndrome. Last evaluated: 2021-04-13. Review status: criteria provided, single submitter. Criteria: Sema4 Curation Guidelines. Collection method: curation. Allele origin: germline.
Comment: The PMS2 c.1357A>G (p.M453V) variant has been reported in at least one individual with cancer (PMID: 31386297). It was observed in 2/113766 chromosomes of the Non-Finnish European subpopulation in the large and broad cohorts of the Genome Aggregation Database (PMID: 32461654). The variant has been reported in ClinVar (Variation ID 135934). In silico tools suggest the impact of the variant on protein function is benign though these predictions have not been confirmed by functional studies. The evidence is insufficient to meet ACMG/AMP criteria for classifying the variant as benign or pathogenic. Thus, the clinical significance of this variant is currently uncertain.

Ambry Genetics
Classification: Likely benign for Hereditary cancer-predisposing syndrome. Last evaluated: 2018-03-28. Review status: criteria provided, single submitter. Criteria: Ambry Variant Classification Scheme 2023. Collection method: clinical testing. Allele origin: germline.

Literature cited by the submitters: PubMed 26689913 (cited by Color Diagnostics, LLC DBA Color Health and All of Us Research Program, National Institutes of Health); PubMed 31386297 (cited by Color Diagnostics, LLC DBA Color Health and Sema4).

NM_000535.7(PMS2):c.1357A>G (p.Met453Val)

Gene: PMS2 (PMS1 homolog 2, mismatch repair system component; minus strand). Cytogenetic location: 7p22.1.
Variant type: single nucleotide variant.
Coding change: c.1357A>G on transcript NM_000535.7 (MANE Select); coding-DNA position 1357, A replaced by G.
Protein change: p.Met453Val; replaces methionine 453 with valine.
Molecular consequence: missense variant. On other transcripts: non-coding transcript variant (1).
Genome position (GRCh38, 1-based): chr7:5,987,408, T>C on the plus strand (A>G on the coding strand, the complement: PMS2 is on the minus strand). VCF-style: chr7-5987408-T-C. GRCh37 (hg19) VCF-style: chr7-6027039-T-C.
Other names: c.952A>G, p.Met318Val (NM_001322003.2, NM_001322004.2, NM_001322005.2 and 1 more transcripts); c.1201A>G, p.Met401Val (NM_001322006.2); c.1039A>G, p.Met347Val (NM_001322007.2, NM_001322008.2); c.796A>G, p.Met266Val (NM_001322010.2); c.424A>G, p.Met142Val (NM_001322011.2, NM_001322012.2); c.784A>G, p.Met262Val (NM_001322013.2); c.1357A>G, p.Met453Val (NM_001322014.2); c.1048A>G, p.Met350Val (NM_001322015.2); short protein forms M453V, M266V, M318V, M347V, M350V, M142V, M262V, M401V.
Identifiers: ClinVar variation 135934 (VCV000135934.25), dbSNP rs587780722, ClinGen allele CA009542.